The following is an entry in ClinVar:

ClinVar aggregate classification (germline): Uncertain significance. Review status: criteria provided, multiple submitters, no conflicts (2 of 4 stars). 2 submissions from 2 submitters: Uncertain significance (2). Last evaluated 2026-04-20.

Conditions:
Inborn genetic diseases. Identifiers: MedGen C0950123, MeSH D030342.

Submissions (2):

Ambry Genetics
Classification: Uncertain significance for Inborn genetic diseases. Last evaluated: 2026-04-20. Review status: criteria provided, single submitter. Criteria: Ambry Variant Classification Scheme 2023. Collection method: clinical testing. Allele origin: germline.
Comment: The p.F102L variant (also known as c.306T>G), located in coding exon 3 of the ETV6 gene, results from a T to G substitution at nucleotide position 306. The phenylalanine at codon 102 is replaced by leucine, an amino acid with highly similar properties. This amino acid position is conserved. In addition, the in silico prediction for this alteration is inconclusive. Based on the available evidence, the clinical significance of this variant remains unclear.

Labcorp Genetics (formerly Invitae), Labcorp
Classification: Uncertain significance. Last evaluated: 2024-12-05. Review status: criteria provided, single submitter. Criteria: Invitae Variant Classification Sherloc (09022015). Collection method: clinical testing. Allele origin: germline.
Comment: This sequence change replaces phenylalanine, which is neutral and non-polar, with leucine, which is neutral and non-polar, at codon 102 of the ETV6 protein (p.Phe102Leu). This variant is not present in population databases (gnomAD no frequency). This variant has not been reported in the literature in individuals affected with ETV6-related conditions. Invitae Evidence Modeling of protein sequence and biophysical properties (such as structural, functional, and spatial information, amino acid conservation, physicochemical variation, residue mobility, and thermodynamic stability) indicates that this missense variant is not expected to disrupt ETV6 protein function with a negative predictive value of 80%. In summary, the available evidence is currently insufficient to determine the role of this variant in disease. Therefore, it has been classified as a Variant of Uncertain Significance.

NM_001987.5(ETV6):c.306T>G (p.Phe102Leu)

Genes: ETV6 (ETS variant transcription factor 6; plus strand), LOC126861451 (BRD4-independent group 4 enhancer GRCh37_chr12:11991350-11992549; plus strand). Cytogenetic location: 12p13.2.
Variant type: single nucleotide variant.
Coding change: c.306T>G on transcript NM_001987.5 (MANE Select); coding-DNA position 306, T replaced by G.
Protein change: p.Phe102Leu; replaces phenylalanine 102 with leucine.
Molecular consequence: missense variant.
Genome position (GRCh38, 1-based): chr12:11,839,282, T>G. VCF-style: chr12-11839282-T-G. GRCh37 (hg19) VCF-style: chr12-11992216-T-G.
Other names: c.303T>G, p.Phe101Leu (NM_001413913.1); c.279T>G, p.Phe93Leu (NM_001413914.1); c.42T>G, p.Phe14Leu (NM_001413915.1); c.306T>G, p.Phe102Leu (NM_001413916.1, NM_001413917.1, NM_001413918.1); short protein forms F14L, F102L, F93L, F101L.
Identifiers: ClinVar variation 3714047 (VCV003714047.3).
Genomic context (GRCh38, chr12:11,839,282, plus strand): 5'-TGACAGCAACACGTTTGAAATGAATGGCAAAGCTCTCCTGCTGCTGACCAAAGAGGACTT[T>G]CGCTATCGATCTCCTCATTCAGGTGAGAGTCTGGACTCTTGGCATATGCCCAACTTGGAA-3'
Protein context (NP_001978.1, residues 92-112): KALLLLTKED[Phe102Leu]RYRSPHSGDV